The following is an entry in ClinVar:

NM_001130009.3(GEN1):c.1401dup (p.Gln468fs)

Gene: GEN1 (GEN1 structure-specific endonuclease; plus strand). Cytogenetic location: 2p24.2.
Variant type: Duplication.
Coding change: c.1401dup on transcript NM_001130009.3 (MANE Select); coding-DNA position 1401, one base duplicated (A; older notation c.1401dupA).
Protein change: p.Gln468fs; shifts the reading frame from glutamine 468.
Molecular consequence: frameshift variant.
Genome position (GRCh38, 1-based): chr2:17,780,114, A duplicated; the last of 3 consecutive A bases (chr2:17,780,112-17,780,114); duplicating any one gives the same sequence. VCF-style (leftmost placement, unchanged base first): chr2-17780111-G-GA. GRCh37 (hg19) VCF-style: chr2-17961378-G-GA.
Other names: c.1401dup, p.Gln468fs (NM_182625.5); short protein forms Q468fs.
Identifiers: ClinVar variation 1979583 (VCV001979583.4), dbSNP rs2545623665, ClinGen allele CA2580063689.
Genomic context (GRCh38, chr2:17,780,111, plus strand): 5'-AGCAGCATATCCTGAGATCGTTGCTGTTTACCAAAAACAAAAGTTAGAAATTAAAGGGAA[G>GA]AAACAAAAACGTAAGTTTTGGGTTTGATAGCTATTTATGCCACATGCAAATGTTATAGAA-3'

ClinVar aggregate classification (germline): Uncertain significance (1 of 4 stars; one submission).

Submission:

Labcorp Genetics (formerly Invitae), Labcorp
Classification: Uncertain significance. Last evaluated: 2022-03-04. Review status: criteria provided, single submitter. Criteria: Invitae Variant Classification Sherloc (09022015). Collection method: clinical testing. Allele origin: germline.
Comment: This variant is not present in population databases (gnomAD no frequency). This variant has not been reported in the literature in individuals affected with GEN1-related conditions. Experimental studies and prediction algorithms are not available or were not evaluated, and the functional significance of this variant is currently unknown. In summary, the available evidence is currently insufficient to determine the role of this variant in disease. Therefore, it has been classified as a Variant of Uncertain Significance. This sequence change creates a premature translational stop signal (p.Gln468Thrfs*5) in the GEN1 gene. While this is not anticipated to result in nonsense mediated decay, it is expected to disrupt the last 441 amino acid(s) of the GEN1 protein.